The following is an entry in ClinVar:

NM_133459.4(CCBE1):c.1214A>C (p.Tyr405Ser)

Gene: CCBE1 (collagen and calcium binding EGF domains 1; minus strand). Cytogenetic location: 18q21.32.
Variant type: single nucleotide variant.
Coding change: c.1214A>C on transcript NM_133459.4 (MANE Select); coding-DNA position 1214, A replaced by C.
Protein change: p.Tyr405Ser; replaces tyrosine 405 with serine.
Molecular consequence: missense variant.
Genome position (GRCh38, 1-based): chr18:59,435,915, T>G on the plus strand (A>C on the coding strand, the complement: CCBE1 is on the minus strand). VCF-style: chr18-59435915-T-G. GRCh37 (hg19) VCF-style: chr18-57103147-T-G.
Other names: short protein forms Y405S.
Identifiers: ClinVar variation 3701751 (VCV003701751.2).

ClinVar aggregate classification (germline): Uncertain significance (1 of 4 stars; one submission).

gnomAD v4.1: 5 of 1,613,808 alleles (0.00031%); highest among the groups gnomAD compares: Middle Eastern, 0.049%; no homozygotes.

Submission:

Labcorp Genetics (formerly Invitae), Labcorp
Classification: Uncertain significance. Last evaluated: 2025-11-04. Review status: criteria provided, single submitter. Criteria: Invitae Variant Classification Sherloc (09022015). Collection method: clinical testing. Allele origin: germline.
Comment: This sequence change replaces tyrosine, which is neutral and polar, with serine, which is neutral and polar, at codon 405 of the CCBE1 protein (p.Tyr405Ser). This variant is present in population databases (rs770637810, gnomAD 0.0009%). This variant has not been reported in the literature in individuals affected with CCBE1-related conditions. ClinVar contains an entry for this variant (Variation ID: 3701751). An algorithm developed to predict the effect of missense changes on protein structure and function outputs the following: PolyPhen-2: "Benign". The serine amino acid residue is found in multiple mammalian species, which suggests that this missense change does not adversely affect protein function. In summary, the available evidence is currently insufficient to determine the role of this variant in disease. Therefore, it has been classified as a Variant of Uncertain Significance.